The following is an entry in ClinVar:

ClinVar aggregate classification (germline): Uncertain significance (1 of 4 stars; one submission).

Conditions:
EGFR-related lung cancer (EGFR). Identifiers: MedGen CN130014.

Submission:

Labcorp Genetics (formerly Invitae), Labcorp
Classification: Uncertain significance for EGFR-related lung cancer. Last evaluated: 2022-08-15. Review status: criteria provided, single submitter. Criteria: Invitae Variant Classification Sherloc (09022015). Collection method: clinical testing. Allele origin: germline.
Comment: In summary, the available evidence is currently insufficient to determine the role of this variant in disease. Therefore, it has been classified as a Variant of Uncertain Significance. Algorithms developed to predict the effect of missense changes on protein structure and function are either unavailable or do not agree on the potential impact of this missense change (SIFT: "Tolerated"; PolyPhen-2: "Possibly Damaging"; Align-GVGD: "Class C0"). ClinVar contains an entry for this variant (Variation ID: 1514742). This variant has not been reported in the literature in individuals affected with EGFR-related conditions. This variant is not present in population databases (gnomAD no frequency). This sequence change replaces threonine, which is neutral and polar, with proline, which is neutral and non-polar, at codon 993 of the EGFR protein (p.Thr993Pro).

NM_005228.5(EGFR):c.2977A>C (p.Thr993Pro)

Gene: EGFR (epidermal growth factor receptor; plus strand). Cytogenetic location: 7p11.2.
Variant type: single nucleotide variant.
Coding change: c.2977A>C on transcript NM_005228.5 (MANE Select); coding-DNA position 2977, A replaced by C.
Protein change: p.Thr993Pro; replaces threonine 993 with proline.
Molecular consequence: missense variant.
Genome position (GRCh38, 1-based): chr7:55,201,218, A>C. VCF-style: chr7-55201218-A-C. GRCh37 (hg19) VCF-style: chr7-55268911-A-C.
Other names: c.2842A>C, p.Thr948Pro (NM_001346897.2, NM_001346899.2); c.2977A>C, p.Thr993Pro (NM_001346898.2); c.2818A>C, p.Thr940Pro (NM_001346900.2); c.2176A>C, p.Thr726Pro (NM_001346941.2); short protein forms T940P, T948P, T726P, T993P.
Identifiers: ClinVar variation 1514742 (VCV001514742.8), dbSNP rs2128971521, ClinGen allele CA367582397.